The following is an entry in ClinVar:

ClinVar aggregate classification (germline): Uncertain significance (1 of 4 stars; one submission).

Submission:

GeneDx
Classification: Uncertain significance. Last evaluated: 2026-05-24. Review status: criteria provided, single submitter. Criteria: GeneDx Variant Classification Process June 2021. Collection method: clinical testing. Allele origin: germline.
Comment: Not observed at significant frequency in large population cohorts (gnomAD); Frameshift variant predicted to result in protein truncation or nonsense mediated decay in a gene or region of a gene for which loss of function is not a well-established mechanism of disease; Has not been previously published as pathogenic or benign to our knowledge

NM_003076.5(SMARCD1):c.451_452del (p.Leu151fs)

Gene: SMARCD1 (SWI/SNF related BAF chromatin remodeling complex subunit D1; plus strand). Cytogenetic location: 12q13.12.
Variant type: Deletion.
Coding change: c.451_452del on transcript NM_003076.5 (MANE Select); coding-DNA positions 451 to 452, 2 bases deleted (TT; older notation c.451_452delTT).
Protein change: p.Leu151fs; shifts the reading frame from leucine 151.
Molecular consequence: frameshift variant.
Genome position (GRCh38, 1-based): chr12:50,086,798-50,086,799, TT deleted. VCF-style (leftmost placement, unchanged base first): chr12-50086797-CTT-C. GRCh37 (hg19) VCF-style: chr12-50480580-CTT-C.
Other names: c.451_452del, p.Leu151fs (NM_139071.3); short protein forms L151fs.
Identifiers: ClinVar variation 1702713 (VCV001702713.3), dbSNP rs2137873431, ClinGen allele CA2580086378.